The following is an entry in ClinVar:

ClinVar aggregate classification (germline): Benign. Review status: criteria provided, multiple submitters, no conflicts (2 of 4 stars). 2 submissions from 2 submitters: Benign (2). Last evaluated 2019-10-16.

Allele frequency attached by ClinVar (database versions not stated): 1000 Genomes Project 0.16494; 1000 Genomes Project 30x 0.16724; TOPMed 0.21136; gnomAD 0.21541 and 0.21676; ESP Exome Variant Server 0.23312; gnomAD exomes 0.23586 and 0.27443; ExAC 0.24404.
gnomAD v4.1: 433,589 of 1,613,156 alleles (27%); highest among the groups gnomAD compares: Middle Eastern, 32%; 61,508 homozygotes.

Submissions (2):

GeneDx
Classification: Benign. Last evaluated: 2019-10-16. Review status: criteria provided, single submitter. Criteria: GeneDx Variant Classification Process June 2021. Collection method: clinical testing. Allele origin: germline. Affected: yes.
Comment: This variant is associated with the following publications: (PMID: 30681437)

Breakthrough Genomics
Classification: Benign. Review status: criteria provided, single submitter. Criteria: ACMG Guidelines, 2015. Collection method: not provided. Allele origin: germline. Inheritance: Unknown mechanism. Affected: yes.

NM_032630.3(CINP):c.491G>A (p.Arg164His)

Gene: CINP (cyclin dependent kinase 2 interacting protein; minus strand). Cytogenetic location: 14q32.31.
Variant type: single nucleotide variant.
Coding change: c.491G>A on transcript NM_032630.3 (MANE Select); coding-DNA position 491, G replaced by A.
Protein change: p.Arg164His; replaces arginine 164 with histidine.
Molecular consequence: missense variant. On other transcripts: 3 prime UTR variant (1).
Genome position (GRCh38, 1-based): chr14:102,348,705, C>T on the plus strand (G>A on the coding strand, the complement: CINP is on the minus strand). VCF-style: chr14-102348705-C-T. GRCh37 (hg19) VCF-style: chr14-102815042-C-T.
Other names: c.*4G>A (NM_001320046.2); short protein forms R164H.
Identifiers: ClinVar variation 1251504 (VCV001251504.3), dbSNP rs7011, ClinGen allele CA7357113.